The following is an entry in ClinVar:

NM_005548.3(KARS1):c.1438G>C (p.Glu480Gln)

Genes: KARS1 (lysyl-tRNA synthetase 1; minus strand), LOC126862402 (CDK7 strongly-dependent group 2 enhancer GRCh37_chr16:75663368-75664567; plus strand). Cytogenetic location: 16q23.1.
Variant type: single nucleotide variant.
Coding change: c.1438G>C on transcript NM_005548.3 (MANE Select); coding-DNA position 1438, G replaced by C.
Protein change: p.Glu480Gln; replaces glutamic acid 480 with glutamine.
Molecular consequence: missense variant.
Genome position (GRCh38, 1-based): chr16:75,629,528, C>G on the plus strand (G>C on the coding strand, the complement: KARS1 is on the minus strand). VCF-style: chr16-75629528-C-G. GRCh37 (hg19) VCF-style: chr16-75663426-C-G.
Other names: c.1522G>C, p.Glu508Gln (NM_001130089.2); c.970G>C, p.Glu324Gln (NM_001378148.1); short protein forms E508Q, E480Q, E324Q.
Identifiers: ClinVar variation 228756 (VCV000228756.12), dbSNP rs376538590, ClinGen allele CA8177227.

ClinVar aggregate classification (germline): Uncertain significance. Review status: criteria provided, multiple submitters, no conflicts (2 of 4 stars). 6 submissions from 6 submitters: Uncertain significance (6). Last evaluated 2026-03-09.

Allele frequency attached by ClinVar (database versions not stated): ESP Exome Variant Server 0.00015; gnomAD 0.00016 and 0.00014; TOPMed 0.00018; gnomAD exomes 0.00002 and 0.00004; ExAC 0.00005.
gnomAD v4.1: 49 of 1,614,024 alleles (0.003%); highest among the groups gnomAD compares: African/African-American, 0.053%; no homozygotes.

Submissions (6):

Women's Health and Genetics/Laboratory Corporation of America, LabCorp
Classification: Uncertain significance. Last evaluated: 2026-03-09. Review status: criteria provided, single submitter. Criteria: LabCorp Variant Classification Summary - May 2015. Collection method: clinical testing. Allele origin: germline.
Comment: Variant summary: KARS1 c.1522G>C (p.Glu508Gln) results in a conservative amino acid change in the encoded protein sequence. Algorithms developed to predict the effect of missense changes on protein structure and function are either unavailable or do not agree on the potential impact of this missense change. The variant allele was found at a frequency of 4.6e-05 in 282868 control chromosomes, predominantly at a frequency of 4.6e-05 within the &pop_max_pop& subpopulation in the gnomAD database. The available data on variant occurrences in the general population are insufficient to allow any conclusion about variant significance. To our knowledge, no occurrence of c.1522G>C in individuals affected with KARS1-related conditions and no experimental evidence demonstrating its impact on protein function have been reported. ClinVar contains an entry for this variant (Variation ID: 228756). Based on the evidence outlined above, the variant was classified as uncertain significance.

Ambry Genetics
Classification: Uncertain significance. Last evaluated: 2025-11-13. Review status: criteria provided, single submitter. Criteria: Ambry Variant Classification Scheme 2023. Collection method: clinical testing. Allele origin: germline.

Blueprint Genetics
Classification: Uncertain significance. Last evaluated: 2024-08-06. Review status: criteria provided, single submitter. Criteria: ACMG Guidelines, 2015. Collection method: clinical testing. Allele origin: germline.

GeneDx
Classification: Uncertain significance. Last evaluated: 2024-06-28. Review status: criteria provided, single submitter. Criteria: GeneDx Variant Classification Process June 2021. Collection method: clinical testing. Allele origin: germline. Affected: yes.
Comment: In silico analysis indicates that this missense variant does not alter protein structure/function; Has not been previously published as pathogenic or benign to our knowledge

Labcorp Genetics (formerly Invitae), Labcorp
Classification: Uncertain significance. Last evaluated: 2022-08-21. Review status: criteria provided, single submitter. Criteria: Invitae Variant Classification Sherloc (09022015). Collection method: clinical testing. Allele origin: germline.
Comment: This sequence change replaces glutamic acid, which is acidic and polar, with glutamine, which is neutral and polar, at codon 508 of the KARS protein (p.Glu508Gln). This variant is present in population databases (rs376538590, gnomAD 0.05%). This variant has not been reported in the literature in individuals affected with KARS-related conditions. ClinVar contains an entry for this variant (Variation ID: 228756). Algorithms developed to predict the effect of missense changes on protein structure and function (SIFT, PolyPhen-2, Align-GVGD) all suggest that this variant is likely to be tolerated. In summary, the available evidence is currently insufficient to determine the role of this variant in disease. Therefore, it has been classified as a Variant of Uncertain Significance.

Laboratory for Molecular Medicine, Mass General Brigham Personalized Medicine
Classification: Uncertain significance. Last evaluated: 2016-03-31. Review status: criteria provided, single submitter. Criteria: LMM Criteria. Collection method: clinical testing. Allele origin: germline. Observed: 1 variant allele.
Comment: Variant classified as Uncertain Significance - Favor Benign. The p.Glu508Gln var iant in KARS has not been previously reported in individuals with hearing loss, but has been identified in 6/10390 of African chromosomes by the Exome Aggregati on Consortium (ExAC; dbSNP rs376538590). Althoug h this variant has been seen in the general population, its frequency is not hig h enough to rule out a pathogenic role. Glutamic acid (Glu) at position 508 is n ot conserved in mammals or evolutionarily distant species and 8 species (tenrec, rock pigeon, american alligator, lizard, and 4 turtle species) carry a glutamin e (Gln) at this position, raising the possibility that this change may be tolera ted. Additional computational prediction tools suggest that the p.Glu508Gln vari ant may not impact the protein, though this information is not predictive enough to rule out pathogenicity. In summary, while the clinical significance of the p .Glu508Gln variant is uncertain, its presence in other species suggests that it is more likely to be benign.